The following is an entry in ClinVar:

ClinVar aggregate classification (germline): Pathogenic (1 of 4 stars; one submission).

Conditions:
Hereditary spastic paraplegia 39 (SPG39). Also called: SPASTIC PARAPLEGIA 39, AUTOSOMAL RECESSIVE; Spastic Paraplegia Type 39 (SPG39). Identifiers: Orphanet 139480, MedGen C2677586, MONDO:0012787, OMIM 612020.

Submission:

Labcorp Genetics (formerly Invitae), Labcorp
Classification: Pathogenic for Hereditary spastic paraplegia 39. Last evaluated: 2024-02-23. Review status: criteria provided, single submitter. Criteria: Invitae Variant Classification Sherloc (09022015). Collection method: clinical testing. Allele origin: germline.
Comment: This sequence change creates a premature translational stop signal (p.Cys195Serfs*5) in the PNPLA6 gene. It is expected to result in an absent or disrupted protein product. Loss-of-function variants in PNPLA6 are known to be pathogenic (PMID: 24355708). This variant is not present in population databases (gnomAD no frequency). This variant has not been reported in the literature in individuals affected with PNPLA6-related conditions. For these reasons, this variant has been classified as Pathogenic.

Literature cited by the submitters: PubMed 24355708.

NM_001166114.2(PNPLA6):c.699_700del (p.Cys234fs)

Gene: PNPLA6 (patatin like domain 6, lysophospholipase; plus strand). Cytogenetic location: 19p13.2.
Variant type: Microsatellite.
Coding change: c.699_700del on transcript NM_001166114.2 (MANE Select); coding-DNA positions 699 to 700, 2 bases deleted (CT; older notation c.699_700delCT).
Protein change: p.Cys234fs; shifts the reading frame from cysteine 234.
Molecular consequence: frameshift variant.
Genome position (GRCh38, 1-based): chr19:7,540,293-7,540,294, CT deleted; deleting any 2 consecutive bases within chr19:7,540,291-7,540,294 gives the same sequence; the c. name uses the placement nearest the transcript's 3' end. VCF-style (leftmost placement, unchanged base first): chr19-7540290-GCT-G. GRCh37 (hg19) VCF-style: chr19-7605176-GCT-G.
Other names: c.726_727del, p.Cys243fs (NM_001166111.2); c.582_583del, p.Cys195fs (NM_001166112.2, NM_001166113.1, NM_006702.5); short protein forms C195fs, C234fs, C243fs.
Identifiers: ClinVar variation 1421744 (VCV001421744.6), dbSNP rs2146051234, ClinGen allele CA2580613036.
Genomic context (GRCh38, chr19:7,540,290, plus strand): 5'-CGTCTTCCGGCCGGGCCAGCCAGATGCCAGCATCTACGTGGTGCAGGACGGGCTGCTGGA[GCT>G]CTGTCTGCCAGGGCCTGTGAGTGGGCCTCCCCAGGGGCTGCTGCAGGAGGATGGGTGGTG-3'